The following is an entry in ClinVar:

NM_001378609.3(OTOGL):c.192C>G (p.Tyr64Ter)

Gene: OTOGL (otogelin like; plus strand). Cytogenetic location: 12q21.31.
Variant type: single nucleotide variant.
Coding change: c.192C>G on transcript NM_001378609.3 (MANE Select); coding-DNA position 192, C replaced by G.
Protein change: p.Tyr64Ter; replaces tyrosine 64 with a stop codon.
Molecular consequence: nonsense.
Genome position (GRCh38, 1-based): chr12:80,217,621, C>G. VCF-style: chr12-80217621-C-G. GRCh37 (hg19) VCF-style: chr12-80611401-C-G.
Other names: c.192C>G, p.Tyr64Ter (NM_001368062.3, NM_001378610.3, NM_173591.7); short protein forms Y64*.
Identifiers: ClinVar variation 5018740 (VCV005018740.2).

ClinVar aggregate classification (germline): Likely pathogenic (1 of 4 stars; one submission).

Conditions:
Autosomal recessive nonsyndromic hearing loss 84B. Also called: Deafness, autosomal recessive 84b. Identifiers: Orphanet 90636, MedGen C3554159, MONDO:0013984, OMIM 614944.

Submission:

Juno Genomics, Hangzhou Juno Genomics, Inc
Classification: Likely pathogenic for Autosomal recessive nonsyndromic hearing loss 84B. Review status: criteria provided, single submitter. Criteria: ACMG Guidelines, 2015. Collection method: clinical testing. Allele origin: germline.
Comment: Absent from controls (or at extremely low frequency if recessive) in Genome Aggregation Database.;Null variant in a gene where loss of function (LOF) is a known mechanism of disease.